The following is an entry in ClinVar:

ClinVar aggregate classification (germline): Uncertain significance (1 of 4 stars; one submission).

Conditions:
Epilepsy, familial adult myoclonic, 5 (EPEO5). Also called: CORTICAL MYOCLONIC TREMOR WITH EPILEPSY, FAMILIAL, 5. Identifiers: Orphanet 86814, MedGen C3809374, MONDO:0014167, OMIM 615400.

Submission:

Labcorp Genetics (formerly Invitae), Labcorp
Classification: Uncertain significance for Epilepsy, familial adult myoclonic, 5. Last evaluated: 2022-08-21. Review status: criteria provided, single submitter. Criteria: Invitae Variant Classification Sherloc (09022015). Collection method: clinical testing. Allele origin: germline.
Comment: This sequence change falls in intron 11 of the CNTN2 gene. It does not directly change the encoded amino acid sequence of the CNTN2 protein. It affects a nucleotide within the consensus splice site. This variant is not present in population databases (gnomAD no frequency). This variant has not been reported in the literature in individuals affected with CNTN2-related conditions. Variants that disrupt the consensus splice site are a relatively common cause of aberrant splicing (PMID: 17576681, 9536098). Algorithms developed to predict the effect of sequence changes on RNA splicing suggest that this variant is not likely to affect RNA splicing. In summary, the available evidence is currently insufficient to determine the role of this variant in disease. Therefore, it has been classified as a Variant of Uncertain Significance.

Literature cited by the submitters: PubMed 17576681; PubMed 9536098.

NM_005076.5(CNTN2):c.1391+5C>T

Gene: CNTN2 (contactin 2; plus strand). Cytogenetic location: 1q32.1.
Variant type: single nucleotide variant.
Coding change: c.1391+5C>T on transcript NM_005076.5 (MANE Select); 5 bases into the intron after coding-DNA position 1391, C replaced by T.
Molecular consequence: intron variant.
Genome position (GRCh38, 1-based): chr1:205,064,477, C>T. VCF-style: chr1-205064477-C-T. GRCh37 (hg19) VCF-style: chr1-205033605-C-T.
Other names: c.1391+5C>T (NM_001346083.2).
Identifiers: ClinVar variation 2025434 (VCV002025434.4), dbSNP rs1315110793, ClinGen allele CA2574116932.